The following is an entry in ClinVar:

ClinVar aggregate classification (germline): Benign/Likely benign. Review status: criteria provided, multiple submitters, no conflicts (2 of 4 stars). 4 submissions from 4 submitters: Benign (3); Likely benign (1). Last evaluated 2025-12-01.

Conditions:
Progressive myositis ossificans (FOP). Also called: Myositis ossificans progressiva; Progressive ossifying myositis; Fibrodysplasia Ossificans Progressiva. Identifiers: Orphanet 337, MedGen C0016037, MONDO:0007606, OMIM 135100.

Allele frequency attached by ClinVar (database versions not stated): gnomAD exomes 0.00026; ExAC 0.00027; 1000 Genomes Project 30x 0.00031; 1000 Genomes Project 0.00040.
gnomAD v4.1: 220 of 1,613,626 alleles (0.014%); highest among the groups gnomAD compares: South Asian, 0.22%; 4 homozygotes.

Submissions (4):

Labcorp Genetics (formerly Invitae), Labcorp
Classification: Benign. Last evaluated: 2025-12-01. Review status: criteria provided, single submitter. Criteria: Invitae Variant Classification Sherloc (09022015). Collection method: clinical testing. Allele origin: germline.

Blueprint Genetics
Classification: Likely benign. Last evaluated: 2024-10-23. Review status: criteria provided, single submitter. Criteria: ACMG Guidelines, 2015. Collection method: clinical testing. Allele origin: germline.

Genome-Nilou Lab
Classification: Benign for Progressive myositis ossificans. Last evaluated: 2021-12-05. Review status: criteria provided, single submitter. Criteria: ACMG Guidelines, 2015. Collection method: clinical testing. Allele origin: germline. Affected: no.

Illumina Laboratory Services, Illumina
Classification: Benign for Progressive myositis ossificans. Last evaluated: 2018-01-13. Review status: criteria provided, single submitter. Criteria: ICSL Variant Classification Criteria 13 December 2019. Collection method: clinical testing. Allele origin: germline.
Comment: This variant was observed in the ICSL laboratory as part of a predisposition screen in an ostensibly healthy population. It had not been previously curated by ICSL or reported in the Human Gene Mutation Database (HGMD: prior to June 1st, 2018), and was therefore a candidate for classification through an automated scoring system. Utilizing variant allele frequency, disease prevalence and penetrance estimates, and inheritance mode, an automated score was calculated to assess if this variant is too frequent to cause the disease. Based on the score and internal cut-off values, a variant classified as benign is not then subjected to further curation. The score for this variant resulted in a classification of benign for this disease.

NM_001111067.4(ACVR1):c.99C>T (p.Tyr33=)

Gene: ACVR1 (activin A receptor type 1; minus strand). Cytogenetic location: 2q24.1.
Variant type: single nucleotide variant.
Coding change: c.99C>T on transcript NM_001111067.4 (MANE Select); coding-DNA position 99, C replaced by T.
Protein change: p.Tyr33=; no amino-acid change (tyrosine 33 retained).
Molecular consequence: synonymous variant.
Genome position (GRCh38, 1-based): chr2:157,780,569, G>A on the plus strand (C>T on the coding strand, the complement: ACVR1 is on the minus strand). VCF-style: chr2-157780569-G-A. GRCh37 (hg19) VCF-style: chr2-158637081-G-A.
Other names: c.99C>T, p.Tyr33= (NM_001105.5, NM_001347663.1, NM_001347664.1 and 3 more transcripts).
Identifiers: ClinVar variation 331699 (VCV000331699.14), dbSNP rs201453468, ClinGen allele CA1919222.